The following is an entry in ClinVar:

ClinVar aggregate classification (germline): Likely pathogenic (1 of 4 stars; one submission).

Conditions:
Myopathy, proximal, and ophthalmoplegia (CMYO6). Also called: MYOPATHY WITH CONGENITAL JOINT CONTRACTURES, OPHTHALMOPLEGIA, AND RIMMED VACUOLES; INCLUSION BODY MYOPATHY 3, AUTOSOMAL DOMINANT; CONGENITAL MYOPATHY 6 WITH OPHTHALMOPLEGIA. Identifiers: Orphanet 363677, Orphanet 79091, MedGen C1854106, MONDO:0011577, OMIM 605637.

Submission:

Labcorp Genetics (formerly Invitae), Labcorp
Classification: Likely pathogenic for Myopathy, proximal, and ophthalmoplegia. Last evaluated: 2023-01-26. Review status: criteria provided, single submitter. Criteria: Invitae Variant Classification Sherloc (09022015). Collection method: clinical testing. Allele origin: germline.
Comment: In summary, the currently available evidence indicates that the variant is pathogenic, but additional data are needed to prove that conclusively. Therefore, this variant has been classified as Likely Pathogenic. Algorithms developed to predict the effect of sequence changes on RNA splicing suggest that this variant may disrupt the consensus splice site. This variant has not been reported in the literature in individuals affected with MYH2-related conditions. This variant is not present in population databases (gnomAD no frequency). This sequence change affects a donor splice site in intron 16 of the MYH2 gene. It is expected to disrupt RNA splicing. Variants that disrupt the donor or acceptor splice site typically lead to a loss of protein function (PMID: 16199547), and loss-of-function variants in MYH2 are known to be pathogenic (PMID: 20418530, 23388406, 24193343).

Literature cited by the submitters: PubMed 16199547; PubMed 20418530; PubMed 23388406; PubMed 24193343.

NM_017534.6(MYH2):c.1897+1G>T

Genes: MYH2 (myosin heavy chain 2; minus strand), MYHAS (myosin heavy chain gene cluster antisense RNA; plus strand). Cytogenetic location: 17p13.1.
Variant type: single nucleotide variant.
Coding change: c.1897+1G>T on transcript NM_017534.6 (MANE Select); the canonical splice donor site of the intron after coding-DNA position 1897, G replaced by T.
Molecular consequence: splice donor variant.
Genome position (GRCh38, 1-based): chr17:10,537,232, C>A on the plus strand (G>T on the coding strand, the complement: MYH2 is on the minus strand). VCF-style: chr17-10537232-C-A. GRCh37 (hg19) VCF-style: chr17-10440549-C-A.
Other names: c.1897+1G>T (NM_001100112.2).
Identifiers: ClinVar variation 2832177 (VCV002832177.3), dbSNP rs1268310821, ClinGen allele CA398152980.